The following is an entry in ClinVar:

NM_006245.4(PPP2R5D):c.1508A>T (p.Glu503Val)

Gene: PPP2R5D (protein phosphatase 2 regulatory subunit B'delta; plus strand). Cytogenetic location: 6p21.1.
Variant type: single nucleotide variant.
Coding change: c.1508A>T on transcript NM_006245.4 (MANE Select); coding-DNA position 1508, A replaced by T.
Protein change: p.Glu503Val; replaces glutamic acid 503 with valine.
Molecular consequence: missense variant.
Genome position (GRCh38, 1-based): chr6:43,010,690, A>T. VCF-style: chr6-43010690-A-T. GRCh37 (hg19) VCF-style: chr6-42978428-A-T.
Other names: c.1055A>T, p.Glu352Val (NM_001270476.2); c.1412A>T, p.Glu471Val (NM_180976.3); c.1190A>T, p.Glu397Val (NM_180977.3); short protein forms E352V, E397V, E471V, E503V.
Identifiers: ClinVar variation 3368033 (VCV003368033.2).

ClinVar aggregate classification (germline): Uncertain significance. Review status: criteria provided, multiple submitters, no conflicts (2 of 4 stars). 2 submissions from 2 submitters: Uncertain significance (2). Last evaluated 2025-10-26.

gnomAD v4.1: 4 of 1,614,000 alleles (0.00025%); highest among the groups gnomAD compares: Non-Finnish European, 0.00025%; no homozygotes.

Submissions (2):

Labcorp Genetics (formerly Invitae), Labcorp
Classification: Uncertain significance. Last evaluated: 2025-10-26. Review status: criteria provided, single submitter. Criteria: Invitae Variant Classification Sherloc (09022015). Collection method: clinical testing. Allele origin: germline.
Comment: This sequence change replaces glutamic acid, which is acidic and polar, with valine, which is neutral and non-polar, at codon 503 of the PPP2R5D protein (p.Glu503Val). This variant is present in population databases (rs763531072, gnomAD 0.003%). This variant has not been reported in the literature in individuals affected with PPP2R5D-related conditions. ClinVar contains an entry for this variant (Variation ID: 3368033). An algorithm developed to predict the effect of missense changes on protein structure and function (PolyPhen-2) suggests that this variant is likely to be tolerated. In summary, the available evidence is currently insufficient to determine the role of this variant in disease. Therefore, it has been classified as a Variant of Uncertain Significance.

GeneDx
Classification: Uncertain significance. Last evaluated: 2024-01-23. Review status: criteria provided, single submitter. Criteria: GeneDx Variant Classification Process June 2021. Collection method: clinical testing. Allele origin: germline. Affected: yes.
Comment: In silico analysis supports that this missense variant has a deleterious effect on protein structure/function; Has not been previously published as pathogenic or benign to our knowledge